The following is an entry in ClinVar:

ClinVar aggregate classification (germline): Benign/Likely benign (0 of 4 stars; one submission).

Submission:

ISCA site 4
Classification: Benign/Likely benign. Last evaluated: 2012-09-21. Review status: no assertion criteria provided. Collection method: clinical testing. Allele origin: unknown. Affected: yes. Observed: 5 variant alleles. Clinical features observed: Global developmental delay (HP:0001263), Autism (HP:0000717), Developmental delay AND/OR other significant developmental or morphological phenotypes, Delayed speech and language development (HP:0000750), Short stature (HP:0004322), Seizure (HP:0001250), Cerebral palsy (HP:0100021), Myoclonic spasms (HP:0003739).
Comment: Likely benign (4), Benign (1)

Copy number variation identified through the course of routine clinical cytogenomic testing in postnatal populations, with clinical assertions as classified by the original submitter.

GRCh38/hg38 19q13.2-13.31(chr19:42738659-43025735)x1

Genes: PSG1 (pregnancy specific beta-1-glycoprotein 1; minus strand), PSG11 (pregnancy specific beta-1-glycoprotein 11; minus strand), PSG3 (pregnancy specific beta-1-glycoprotein 3; minus strand), PSG6 (pregnancy specific beta-1-glycoprotein 6; minus strand), PSG7 (pregnancy specific beta-1-glycoprotein 7; minus strand) and 2 more. Cytogenetic location: 19q13.2-13.31.
Variant type: copy number loss.
Change: copy number 1 (one copy instead of two) of chr19:42,738,659-43,025,735 (287.1 kb, GRCh38 coordinates, 1-based), cytogenetic band 19q13.2-13.31.
Identifiers: ClinVar variation 149922 (VCV000149922.2).